The following is an entry in ClinVar:

NM_005751.5(AKAP9):c.7618A>G (p.Ile2540Val)

Gene: AKAP9 (A-kinase anchoring protein 9; plus strand). Cytogenetic location: 7q21.2.
Variant type: single nucleotide variant.
Coding change: c.7618A>G on transcript NM_005751.5 (MANE Select); coding-DNA position 7618, A replaced by G.
Protein change: p.Ile2540Val; replaces isoleucine 2540 with valine.
Molecular consequence: missense variant.
Genome position (GRCh38, 1-based): chr7:92,079,751, A>G. VCF-style: chr7-92079751-A-G. GRCh37 (hg19) VCF-style: chr7-91709065-A-G.
Other names: c.2263A>G, p.Ile755Val (NM_001379277.1); c.7594A>G, p.Ile2532Val (NM_147185.3); short protein forms I2540V, I2532V, I755V.
Identifiers: ClinVar variation 3009245 (VCV003009245.4), dbSNP rs568497742, ClinGen allele CA4337316.

ClinVar aggregate classification (germline): Conflicting classifications of pathogenicity. Review status: criteria provided, conflicting classifications (1 of 4 stars). 2 submissions from 2 submitters: Uncertain significance (1); Likely benign (1). Last evaluated 2026-01-15.

Conditions:
Cardiovascular phenotype. Identifiers: MedGen CN230736.
Long QT syndrome (LQTS). Identifiers: MedGen C0023976, MeSH D008133, MONDO:0002442. Disease mechanism: loss of function. Inheritance: Various modes of inheritance.

Allele frequency attached by ClinVar (database versions not stated): gnomAD exomes 0.00001; 1000 Genomes Project 0.00020; TOPMed below 0.00001; 1000 Genomes Project 30x 0.00016; ExAC 0.00004; gnomAD 0.00001.
gnomAD v4.1: 12 of 1,614,148 alleles (0.00074%); highest among the groups gnomAD compares: East Asian, 0.025%; no homozygotes.

Submissions (2):

Labcorp Genetics (formerly Invitae), Labcorp
Classification: Uncertain significance for Long QT syndrome. Last evaluated: 2026-01-15. Review status: criteria provided, single submitter. Criteria: Invitae Variant Classification Sherloc (09022015). Collection method: clinical testing. Allele origin: germline.
Comment: This sequence change replaces isoleucine, which is neutral and non-polar, with valine, which is neutral and non-polar, at codon 2540 of the AKAP9 protein (p.Ile2540Val). This variant is present in population databases (rs568497742, gnomAD 0.05%). This variant has not been reported in the literature in individuals affected with AKAP9-related conditions. ClinVar contains an entry for this variant (Variation ID: 3009245). An algorithm developed to predict the effect of missense changes on protein structure and function outputs the following: PolyPhen-2: "Benign". The valine amino acid residue is found in multiple mammalian species, which suggests that this missense change does not adversely affect protein function. In summary, the available evidence is currently insufficient to determine the role of this variant in disease. Therefore, it has been classified as a Variant of Uncertain Significance.

Ambry Genetics
Classification: Likely benign for Cardiovascular phenotype. Last evaluated: 2024-07-06. Review status: criteria provided, single submitter. Criteria: Ambry Variant Classification Scheme 2023. Collection method: clinical testing. Allele origin: germline.